The following is an entry in ClinVar:

ClinVar aggregate classification (germline): Conflicting classifications of pathogenicity. Review status: criteria provided, conflicting classifications (1 of 4 stars). 2 submissions from 2 submitters: Likely pathogenic (1); Uncertain significance (1). Last evaluated 2024-11-22.

Submissions (2):

Blueprint Genetics
Classification: Uncertain significance. Last evaluated: 2024-11-22. Review status: criteria provided, single submitter. Criteria: ACMG Guidelines, 2015. Collection method: clinical testing. Allele origin: germline.

GeneDx
Classification: Likely pathogenic. Last evaluated: 2019-03-07. Review status: criteria provided, single submitter. Criteria: GeneDx Variant Classification Process June 2021. Collection method: clinical testing. Allele origin: germline. Affected: yes.
Comment: Not observed in large population cohorts (Lek et al., 2016); In silico analysis, which includes protein predictors and evolutionary conservation, supports a deleterious effect; The majority of missense variants in this gene are considered pathogenic (Stenson et al., 2014); Has not been previously published as pathogenic or benign to our knowledge

NM_172107.4(KCNQ2):c.1007C>T (p.Ala336Val)

Gene: KCNQ2 (potassium voltage-gated channel subfamily Q member 2; minus strand). Cytogenetic location: 20q13.33.
Variant type: single nucleotide variant.
Coding change: c.1007C>T on transcript NM_172107.4 (MANE Select); coding-DNA position 1007, C replaced by T.
Protein change: p.Ala336Val; replaces alanine 336 with valine.
Molecular consequence: missense variant.
Genome position (GRCh38, 1-based): chr20:63,438,641, G>A on the plus strand (C>T on the coding strand, the complement: KCNQ2 is on the minus strand). VCF-style: chr20-63438641-G-A. GRCh37 (hg19) VCF-style: chr20-62069994-G-A.
Other names: c.1007C>T, p.Ala336Val (NM_001382235.1, NM_004518.6, NM_172106.3 and 2 more transcripts); short protein forms A336V.
Identifiers: ClinVar variation 1202917 (VCV001202917.4), dbSNP rs2145712091, ClinGen allele CA409652070.